The following is an entry in ClinVar:

ClinVar aggregate classification (germline): Pathogenic. Review status: criteria provided, single submitter (1 of 4 stars). 2 submissions from 2 submitters: Pathogenic (1). 1 of the submissions does not count toward it. Last evaluated 2022-10-05.

Conditions:
IRF6-related condition. Also called: IRF6-Related Disorders; IRF6-related disorder. Identifiers: MedGen CN378148, MONDO:1040010.

Submissions (2):

GeneDx
Classification: Pathogenic. Last evaluated: 2022-10-05. Review status: criteria provided, single submitter. Criteria: GeneDx Variant Classification Process June 2021. Collection method: clinical testing. Allele origin: germline. Affected: yes.
Comment: Nonsense variant predicted to result in protein truncation or nonsense mediated decay in a gene for which loss of function is a known mechanism of disease; Not observed at significant frequency in large population cohorts (gnomAD); This variant is associated with the following publications: (PMID: 23154523)

PreventionGenetics, part of Exact Sciences
Classification: Pathogenic for IRF6-related condition. Last evaluated: 2024-05-17. Review status: no assertion criteria provided. Collection method: clinical testing. Allele origin: germline. Not counted in ClinVar's aggregate classification.
Comment: The IRF6 c.952C>T variant is predicted to result in premature protein termination (p.Gln318*). This variant has been reported in three families with Van der Woude or popliteal pterygium syndrome (Table S1, Leslie et al 2013. PubMed ID: 23154523). This variant has not been reported in a large population database, indicating this variant is rare. Nonsense variants in IRF6 are expected to be pathogenic. This variant is interpreted as pathogenic.

NM_006147.4(IRF6):c.952C>T (p.Gln318Ter)

Gene: IRF6 (interferon regulatory factor 6; minus strand). Cytogenetic location: 1q32.2.
Variant type: single nucleotide variant.
Coding change: c.952C>T on transcript NM_006147.4 (MANE Select); coding-DNA position 952, C replaced by T.
Protein change: p.Gln318Ter; replaces glutamine 318 with a stop codon.
Molecular consequence: nonsense.
Genome position (GRCh38, 1-based): chr1:209,790,603, G>A on the plus strand (C>T on the coding strand, the complement: IRF6 is on the minus strand). VCF-style: chr1-209790603-G-A. GRCh37 (hg19) VCF-style: chr1-209963948-G-A.
Other names: c.667C>T, p.Gln223Ter (NM_001206696.2); short protein forms Q223*, Q318*.
Identifiers: ClinVar variation 1708591 (VCV001708591.3), dbSNP rs2464669962, ClinGen allele CA344575591.
Genomic context (GRCh38, chr1:209,790,603, plus strand): 5'-CAATCAGGTTGGGAGCAACAAGTGATGGGGCACATGGCCCAGACCAGTACACCTTGCACT[G>A]GCACAGCCTGATGGCATAAATGGCATGACCGCTGACCTCCAGGATCAGTCCTCTGTCCAT-3'